The following is an entry in ClinVar:

ClinVar aggregate classification (germline): Uncertain significance (1 of 4 stars; one submission).

Conditions:
Hereditary nonpolyposis colorectal neoplasms. Identifiers: MedGen C0009405, MeSH D003123.

Submission:

Labcorp Genetics (formerly Invitae), Labcorp
Classification: Uncertain significance for Hereditary nonpolyposis colorectal neoplasms. Last evaluated: 2023-07-27. Review status: criteria provided, single submitter. Criteria: Invitae Variant Classification Sherloc (09022015). Collection method: clinical testing. Allele origin: germline.
Comment: This variant has not been reported in the literature in individuals affected with PMS2-related conditions. In summary, the available evidence is currently insufficient to determine the role of this variant in disease. Therefore, it has been classified as a Variant of Uncertain Significance. Variants that disrupt the consensus splice site are a relatively common cause of aberrant splicing (PMID: 17576681, 9536098). Algorithms developed to predict the effect of sequence changes on RNA splicing suggest that this variant is not likely to affect RNA splicing. This variant is not present in population databases (gnomAD no frequency). This sequence change falls in intron 8 of the PMS2 gene. It does not directly change the encoded amino acid sequence of the PMS2 protein. It affects a nucleotide within the consensus splice site.

Literature cited by the submitters: PubMed 17576681; PubMed 9536098.

NM_000535.7(PMS2):c.904-3C>T

Gene: PMS2 (PMS1 homolog 2, mismatch repair system component; minus strand). Cytogenetic location: 7p22.1.
Variant type: single nucleotide variant.
Coding change: c.904-3C>T on transcript NM_000535.7 (MANE Select); 3 bases into the intron before coding-DNA position 904, C replaced by T.
Molecular consequence: intron variant.
Genome position (GRCh38, 1-based): chr7:5,992,060, G>A on the plus strand (C>T on the coding strand, the complement: PMS2 is on the minus strand). VCF-style: chr7-5992060-G-A. GRCh37 (hg19) VCF-style: chr7-6031691-G-A.
Other names: c.586-3C>T (NM_001322008.2, NM_001406902.1, NM_001406883.1 and 4 more transcripts); c.595-3C>T (NM_001406881.1, NM_001406879.1, NM_001322015.2 and 6 more transcripts); c.499-3C>T (NM_001406895.1, NM_001322010.2, NM_001322004.2 and 19 more transcripts); c.133-3C>T (NM_001406911.1); c.391-3C>T (NM_001406904.1, NM_001406905.1); c.331-3C>T (NM_001322013.2, NM_001406909.1); c.-30-3C>T (NM_001322012.2, NM_001322011.2); c.568-3C>T (NM_001406885.1); and 8 more.
Identifiers: ClinVar variation 3013145 (VCV003013145.3), dbSNP rs2128756471, ClinGen allele CA2681677276.